The following is an entry in ClinVar:

ClinVar aggregate classification (germline): Uncertain significance (1 of 4 stars; one submission).

Conditions:
Hereditary cancer-predisposing syndrome. Also called: Neoplastic Syndromes, Hereditary; Tumor predisposition; Hereditary neoplastic syndrome; Hereditary Cancer Syndrome. Identifiers: Orphanet 140162, MedGen C0027672, MeSH D009386, MONDO:0015356.

Submission:

Ambry Genetics
Classification: Uncertain significance for Hereditary cancer-predisposing syndrome. Last evaluated: 2026-08-03. Review status: criteria provided, single submitter. Criteria: Ambry Variant Classification Scheme 2023. Collection method: clinical testing. Allele origin: germline.
Comment: The p.H279P variant (also known as c.836A>C), located in coding exon 9 of the BRCA1 gene, results from an A to C substitution at nucleotide position 836. The histidine at codon 279 is replaced by proline, an amino acid with similar properties. This amino acid position is not well conserved in available vertebrate species. In addition, the in silico prediction for this alteration is inconclusive. Based on the available evidence, the clinical significance of this variant remains unclear.

NM_007294.4(BRCA1):c.836A>C (p.His279Pro)

Gene: BRCA1 (BRCA1 DNA repair associated; minus strand). Cytogenetic location: 17q21.31.
Variant type: single nucleotide variant.
Coding change: c.836A>C on transcript NM_007294.4 (MANE Select); coding-DNA position 836, A replaced by C.
Protein change: p.His279Pro; replaces histidine 279 with proline.
Molecular consequence: missense variant. On other transcripts: intron variant (137), 5 prime UTR variant (2).
Genome position (GRCh38, 1-based): chr17:43,094,695, T>G on the plus strand (A>C on the coding strand, the complement: BRCA1 is on the minus strand). VCF-style: chr17-43094695-T-G. GRCh37 (hg19) VCF-style: chr17-41246712-T-G.
Other names: c.577+49A>C (NM_001408489.1, NM_001408479.1, NM_001408482.1 and 9 more transcripts); c.661+49A>C (NM_001408445.1, NM_001408432.1, NM_001408450.1 and 6 more transcripts); c.667+1151A>C (NM_001408431.1, NM_001408424.1, NM_001408421.1); c.784+49A>C (NM_001408407.1, NM_001408402.1, NM_001408473.1 and 13 more transcripts); c.664+49A>C (NM_001408443.1, NM_001408439.1, NM_001408425.1 and 12 more transcripts); c.670+1151A>C (NM_001408419.1, NM_001408422.1, NM_001408418.1 and 2 more transcripts); c.787+49A>C (NM_001408403.1, NM_001407983.1, NM_001407975.1 and 19 more transcripts); c.790+46A>C (NM_001408406.1); and 40 more; short protein forms H152P, H208P, H212P, H238P, H252P, H111P, H167P, H168P.
Identifiers: ClinVar variation 5033194 (VCV005033194.1).
Genomic context (GRCh38, chr17:43,094,695, plus strand): 5'-ACATTCATTCTGTCTTTAGTGAGTAATAAACTGCTGTTCTCATGCTGTAATGAGCTGGCA[T>G]GAGTATTTGTGCCACATGGCTCCACATGCAAGTTTGAAACAGAACTACCCTGATACTTTT-3'
Protein context (NP_009225.1, residues 269-289): LHVEPCGTNT[His279Pro]ASSLQHENSS